The following is an entry in ClinVar:

NM_025150.5(TARS2):c.82C>T (p.Pro28Ser)

Gene: TARS2 (threonyl-tRNA synthetase 2, mitochondrial; plus strand). Cytogenetic location: 1q21.2.
Variant type: single nucleotide variant.
Coding change: c.82C>T on transcript NM_025150.5 (MANE Select); coding-DNA position 82, C replaced by T.
Protein change: p.Pro28Ser; replaces proline 28 with serine.
Molecular consequence: missense variant. On other transcripts: non-coding transcript variant (2).
Genome position (GRCh38, 1-based): chr1:150,487,873, C>T. VCF-style: chr1-150487873-C-T. GRCh37 (hg19) VCF-style: chr1-150460349-C-T.
Other names: c.82C>T, p.Pro28Ser (NM_001271895.2, NM_001271896.2); short protein forms P28S.
Identifiers: ClinVar variation 3573788 (VCV003573788.1).

ClinVar aggregate classification (germline): Uncertain significance (1 of 4 stars; one submission).

gnomAD v4.1: 1 of 1,612,984 alleles (0.000062%); highest among the groups gnomAD compares: Non-Finnish European, 0.000085%; no homozygotes.

Submission:

GeneDx
Classification: Uncertain significance. Last evaluated: 2024-07-16. Review status: criteria provided, single submitter. Criteria: GeneDx Variant Classification Process June 2021. Collection method: clinical testing. Allele origin: germline. Affected: yes.
Comment: Not observed at significant frequency in large population cohorts (gnomAD); In silico analysis indicates that this missense variant does not alter protein structure/function; Has not been previously published as pathogenic or benign to our knowledge